The following is an entry in ClinVar:

ClinVar aggregate classification (germline): Likely benign (1 of 4 stars; one submission).

Allele frequency attached by ClinVar (database versions not stated): TOPMed below 0.00001 and 0.00001; gnomAD 0.00001.
gnomAD v4.1: 2 of 1,587,332 alleles (0.00013%); highest among the groups gnomAD compares: Admixed American, 0.0017%; no homozygotes.

Submission:

GeneDx
Classification: Likely benign. Last evaluated: 2017-01-17. Review status: criteria provided, single submitter. Criteria: GeneDx Variant Classification (06012015). Collection method: clinical testing. Allele origin: germline. Affected: yes.
Comment: This variant is considered likely benign or benign based on one or more of the following criteria: it is a conservative change, it occurs at a poorly conserved position in the protein, it is predicted to be benign by multiple in silico algorithms, and/or has population frequency not consistent with disease.

NM_005097.4(LGI1):c.-33C>T

Gene: LGI1 (leucine rich glioma inactivated 1; plus strand). Cytogenetic location: 10q23.33.
Variant type: single nucleotide variant.
Coding change: c.-33C>T on transcript NM_005097.4 (MANE Select); 33 bases upstream of the start codon, C replaced by T.
Molecular consequence: 5 prime UTR variant. On other transcripts: non-coding transcript variant (1).
Genome position (GRCh38, 1-based): chr10:93,758,112, C>T. VCF-style: chr10-93758112-C-T. GRCh37 (hg19) VCF-style: chr10-95517869-C-T.
Other names: c.-33C>T (NM_001308275.2, NM_001308276.2).
Identifiers: ClinVar variation 506416 (VCV000506416.1), dbSNP rs1444604152, ClinGen allele CA658797518.